The following is an entry in ClinVar:

NM_004364.5(CEBPA):c.722T>C (p.Leu241Pro)

Gene: CEBPA (CCAAT enhancer binding protein alpha; minus strand). Cytogenetic location: 19q13.11.
Variant type: single nucleotide variant.
Coding change: c.722T>C on transcript NM_004364.5 (MANE Select); coding-DNA position 722, T replaced by C.
Protein change: p.Leu241Pro; replaces leucine 241 with proline.
Molecular consequence: missense variant.
Genome position (GRCh38, 1-based): chr19:33,301,693, A>G on the plus strand (T>C on the coding strand, the complement: CEBPA is on the minus strand). VCF-style: chr19-33301693-A-G. GRCh37 (hg19) VCF-style: chr19-33792599-A-G.
Other names: c.365T>C, p.Leu122Pro (NM_001285829.2); c.827T>C, p.Leu276Pro (NM_001287424.2); c.680T>C, p.Leu227Pro (NM_001287435.2); short protein forms L227P, L241P, L122P, L276P.
Identifiers: ClinVar variation 1475027 (VCV001475027.8), dbSNP rs2145260532, ClinGen allele CA405274345.

ClinVar aggregate classification (germline): Uncertain significance (1 of 4 stars; one submission).

Conditions:
Acute myeloid leukemia (AML). Also called: Leukemia, acute myeloid, somatic; Leukemia, acute myelogenous, somatic; Acute myeloid leukemia, adult; AML adult; Acute non-lymphocytic leukemia; Acute granulocytic leukemia. Identifiers: Orphanet 519, MedGen C0023467, MeSH D015470, MONDO:0018874, OMIM 601626, HP:0004808. Disease mechanism: Constitutively activated FLT3.

Submission:

Labcorp Genetics (formerly Invitae), Labcorp
Classification: Uncertain significance for Acute myeloid leukemia. Last evaluated: 2021-07-13. Review status: criteria provided, single submitter. Criteria: Invitae Variant Classification Sherloc (09022015). Collection method: clinical testing. Allele origin: germline.
Comment: The frequency data for this variant in the population databases is considered unreliable, as metrics indicate insufficient coverage at this position in the ExAC database. This sequence change replaces leucine with proline at codon 241 of the CEBPA protein (p.Leu241Pro). The leucine residue is weakly conserved and there is a moderate physicochemical difference between leucine and proline. In summary, the available evidence is currently insufficient to determine the role of this variant in disease. Therefore, it has been classified as a Variant of Uncertain Significance. Algorithms developed to predict the effect of missense changes on protein structure and function (SIFT, PolyPhen-2, Align-GVGD) all suggest that this variant is likely to be tolerated. This variant has not been reported in the literature in individuals affected with CEBPA-related conditions.